The following is an entry in ClinVar:

NM_000038.6(APC):c.6943C>T (p.Gln2315Ter)

Gene: APC (APC regulator of Wnt signaling pathway; plus strand). Cytogenetic location: 5q22.2.
Variant type: single nucleotide variant.
Coding change: c.6943C>T on transcript NM_000038.6 (MANE Select); coding-DNA position 6943, C replaced by T.
Protein change: p.Gln2315Ter; replaces glutamine 2315 with a stop codon.
Molecular consequence: nonsense. On other transcripts: non-coding transcript variant (2).
Genome position (GRCh38, 1-based): chr5:112,842,537, C>T. VCF-style: chr5-112842537-C-T. GRCh37 (hg19) VCF-style: chr5-112178234-C-T.
Other names: c.6868C>T, p.Gln2290Ter (NM_001354898.2); c.6859C>T, p.Gln2287Ter (NM_001354899.2); c.6820C>T, p.Gln2274Ter (NM_001354900.2); c.6766C>T, p.Gln2256Ter (NM_001354901.2, NM_001407453.1); c.6670C>T, p.Gln2224Ter (NM_001354902.2); c.6640C>T, p.Gln2214Ter (NM_001354903.2, NM_001407458.1, NM_001407459.1 and 1 more transcripts); c.6565C>T, p.Gln2189Ter (NM_001354904.2); c.6463C>T, p.Gln2155Ter (NM_001354905.2); and 11 more; short protein forms Q1931*, Q2032*, Q2155*, Q2186*, Q2189*, Q2214*, Q2224*, Q2232*.
Identifiers: ClinVar variation 4856772 (VCV004856772.1).

ClinVar aggregate classification (germline): Pathogenic (1 of 4 stars; one submission).

Conditions:
Familial adenomatous polyposis 1 (FAP1). Also called: FAMILIAL ADENOMATOUS POLYPOSIS 1, ATTENUATED; POLYPOSIS, ADENOMATOUS INTESTINAL. Identifiers: MedGen C2713442, MONDO:0021056, OMIM 175100. Disease mechanism: loss of function.

gnomAD v4.1: 1 of 1,614,066 alleles (0.000062%); highest among the groups gnomAD compares: Non-Finnish European, 0.000085%; no homozygotes.

Submission:

Myriad Genetics, Inc.
Classification: Pathogenic for Familial adenomatous polyposis 1. Last evaluated: 2026-02-10. Review status: criteria provided, single submitter. Criteria: Myriad Autosomal Dominant, Autosomal Recessive and X-Linked Classification Criteria (2023). Collection method: clinical testing. Allele origin: unknown.
Comment: This variant is considered pathogenic. This variant creates a termination codon and is predicted to result in premature protein truncation.